The following is an entry in ClinVar:

NM_000789.4(ACE):c.1460G>A (p.Arg487His)

Gene: ACE (angiotensin I converting enzyme; plus strand). Cytogenetic location: 17q23.3.
Variant type: single nucleotide variant.
Coding change: c.1460G>A on transcript NM_000789.4 (MANE Select); coding-DNA position 1460, G replaced by A.
Protein change: p.Arg487His; replaces arginine 487 with histidine.
Molecular consequence: missense variant.
Genome position (GRCh38, 1-based): chr17:63,483,146, G>A. VCF-style: chr17-63483146-G-A. GRCh37 (hg19) VCF-style: chr17-61560507-G-A.
Other names: c.893G>A, p.Arg298His (NM_001382700.1); c.608G>A, p.Arg203His (NM_001382701.1); short protein forms R487H, R203H, R298H.
Identifiers: ClinVar variation 1363218 (VCV001363218.6), dbSNP rs376430907, ClinGen allele CA8699544.

ClinVar aggregate classification (germline): Uncertain significance. Review status: criteria provided, multiple submitters, no conflicts (2 of 4 stars). 2 submissions from 2 submitters: Uncertain significance (2). Last evaluated 2024-05-13.

Conditions:
Hemorrhage, intracerebral, susceptibility to (ICH). Also called: Stroke, hemorrhagic, susceptibility to. Identifiers: MedGen C3281105, MONDO:0100533, OMIM 614519.
Microvascular complications of diabetes, susceptibility to, 3. Identifiers: MedGen C2675470, MONDO:0012963, OMIM 612624.
Renal tubular dysgenesis of genetic origin. Also called: PRIMITIVE RENAL TUBULE SYNDROME. Identifiers: Orphanet 97369, MedGen C5681536, MONDO:0009970, OMIM 267430.

Allele frequency attached by ClinVar (database versions not stated): gnomAD 0.00005; ExAC 0.00006; gnomAD exomes 0.00007; ESP Exome Variant Server 0.00008; TOPMed 0.00011.
gnomAD v4.1: 42 of 1,613,816 alleles (0.0026%); highest among the groups gnomAD compares: African/African-American, 0.012%; no homozygotes.

Submissions (2):

Fulgent Genetics
Classification: Uncertain significance for Renal tubular dysgenesis of genetic origin; Microvascular complications of diabetes, susceptibility to, 3; Hemorrhage, intracerebral, susceptibility to. Last evaluated: 2024-05-13. Review status: criteria provided, single submitter. Criteria: ACMG Guidelines, 2015. Collection method: clinical testing. Allele origin: germline.

Labcorp Genetics (formerly Invitae), Labcorp
Classification: Uncertain significance. Last evaluated: 2022-03-10. Review status: criteria provided, single submitter. Criteria: Invitae Variant Classification Sherloc (09022015). Collection method: clinical testing. Allele origin: germline.
Comment: In summary, the available evidence is currently insufficient to determine the role of this variant in disease. Therefore, it has been classified as a Variant of Uncertain Significance. Algorithms developed to predict the effect of missense changes on protein structure and function output the following: SIFT: "Tolerated"; PolyPhen-2: "Probably Damaging"; Align-GVGD: "Class C0". The histidine amino acid residue is found in multiple mammalian species, which suggests that this missense change does not adversely affect protein function. This variant has not been reported in the literature in individuals affected with ACE-related conditions. This variant is present in population databases (rs376430907, gnomAD 0.03%). This sequence change replaces arginine, which is basic and polar, with histidine, which is basic and polar, at codon 487 of the ACE protein (p.Arg487His).